The following is an entry in ClinVar:

NM_001329943.3(KIAA0586):c.1189G>T (p.Glu397Ter)

Gene: KIAA0586 (KIAA0586; plus strand). Cytogenetic location: 14q23.1.
Variant type: single nucleotide variant.
Coding change: c.1189G>T on transcript NM_001329943.3 (MANE Select); coding-DNA position 1189, G replaced by T.
Protein change: p.Glu397Ter; replaces glutamic acid 397 with a stop codon.
Molecular consequence: nonsense.
Genome position (GRCh38, 1-based): chr14:58,453,409, G>T. VCF-style: chr14-58453409-G-T. GRCh37 (hg19) VCF-style: chr14-58920127-G-T.
Other names: c.1348G>T, p.Glu450Ter (NM_001244189.2); c.1144G>T, p.Glu382Ter (NM_001244190.2); c.934G>T, p.Glu312Ter (NM_001244191.2, NM_001329945.2, NM_001364700.1 and 1 more transcripts); c.1057G>T, p.Glu353Ter (NM_001244192.2); c.769G>T, p.Glu257Ter (NM_001244193.2); c.1189G>T, p.Glu397Ter (NM_001329944.2, NM_001329946.2, NM_001329947.2 and 1 more transcripts); short protein forms E257*, E312*, E353*, E382*, E397*, E450*.
Identifiers: ClinVar variation 4858782 (VCV004858782.1).

ClinVar aggregate classification (germline): Pathogenic (1 of 4 stars; one submission).

Conditions:
Inborn genetic diseases. Identifiers: MedGen C0950123, MeSH D030342.

Submission:

Ambry Genetics
Classification: Pathogenic for Inborn genetic diseases. Last evaluated: 2026-05-11. Review status: criteria provided, single submitter. Criteria: Ambry Variant Classification Scheme 2023. Collection method: clinical testing. Allele origin: germline.
Comment: The c.1189G>T (p.E397*) alteration, located in exon 9 (coding exon 9) of the KIAA0586 gene, consists of a G to T substitution at nucleotide position 1189. This changes the amino acid from a glutamic acid (E) to a stop codon at amino acid position 397. This variant is expected to result in loss of function by premature protein truncation or nonsense-mediated mRNA decay. This variant was not reported in population-based cohorts in the Genome Aggregation Database (gnomAD). Based on the available evidence, this alteration is classified as pathogenic.